The following is an entry in ClinVar:

NM_018297.4(NGLY1):c.1838T>C (p.Ile613Thr)

Gene: NGLY1 (N-glycanase 1; minus strand). Cytogenetic location: 3p24.2.
Variant type: single nucleotide variant.
Coding change: c.1838T>C on transcript NM_018297.4 (MANE Select); coding-DNA position 1838, T replaced by C.
Protein change: p.Ile613Thr; replaces isoleucine 613 with threonine.
Molecular consequence: missense variant.
Genome position (GRCh38, 1-based): chr3:25,719,587, A>G on the plus strand (T>C on the coding strand, the complement: NGLY1 is on the minus strand). VCF-style: chr3-25719587-A-G. GRCh37 (hg19) VCF-style: chr3-25761078-A-G.
Other names: c.1784T>C, p.Ile595Thr (NM_001145293.2); c.1712T>C, p.Ile571Thr (NM_001145294.2); c.1660T>C, p.Phe554Leu (NM_001145295.2); short protein forms I595T, F554L, I613T, I571T.
Identifiers: ClinVar variation 1354550 (VCV001354550.6), dbSNP rs2125441642, ClinGen allele CA351893458.

ClinVar aggregate classification (germline): Uncertain significance (1 of 4 stars; one submission).

Conditions:
Congenital disorder of deglycosylation (CDDG). Identifiers: MedGen C3808991, MONDO:0031376.

Submission:

Labcorp Genetics (formerly Invitae), Labcorp
Classification: Uncertain significance for Congenital disorder of deglycosylation. Last evaluated: 2022-02-05. Review status: criteria provided, single submitter. Criteria: Invitae Variant Classification Sherloc (09022015). Collection method: clinical testing. Allele origin: germline.
Comment: This variant has not been reported in the literature in individuals affected with NGLY1-related conditions. This variant is not present in population databases (gnomAD no frequency). This sequence change replaces isoleucine, which is neutral and non-polar, with threonine, which is neutral and polar, at codon 613 of the NGLY1 protein (p.Ile613Thr). Algorithms developed to predict the effect of missense changes on protein structure and function output the following: SIFT: "Tolerated"; PolyPhen-2: "Benign"; Align-GVGD: "Class C0". The threonine amino acid residue is found in multiple mammalian species, which suggests that this missense change does not adversely affect protein function. In summary, the available evidence is currently insufficient to determine the role of this variant in disease. Therefore, it has been classified as a Variant of Uncertain Significance.